The following is an entry in ClinVar:

NM_019892.6(INPP5E):c.1388-13C>T

Gene: INPP5E (inositol polyphosphate-5-phosphatase E; minus strand). Cytogenetic location: 9q34.3.
Variant type: single nucleotide variant.
Coding change: c.1388-13C>T on transcript NM_019892.6 (MANE Select); 13 bases into the intron before coding-DNA position 1388, C replaced by T.
Molecular consequence: intron variant.
Genome position (GRCh38, 1-based): chr9:136,431,998, G>A on the plus strand (C>T on the coding strand, the complement: INPP5E is on the minus strand). VCF-style: chr9-136431998-G-A. GRCh37 (hg19) VCF-style: chr9-139326450-G-A.
Other names: c.1385-13C>T (NM_001318502.2).
Identifiers: ClinVar variation 261195 (VCV000261195.19), dbSNP rs78828148, ClinGen allele CA5336811.

ClinVar aggregate classification (germline): Benign. Review status: criteria provided, multiple submitters, no conflicts (2 of 4 stars). 6 submissions from 6 submitters: Benign (4). 2 of the submissions do not count toward it. Last evaluated 2026-02-01.

Conditions:
Joubert syndrome 1 (JBTS1). Also called: CEREBELLOPARENCHYMAL DISORDER IV; Cerebellooculorenal syndrome 1. Identifiers: MedGen C4551568, MONDO:0008944, OMIM 213300.
Joubert syndrome. Also called: Familial aplasia of the vermis; JOUBERT-BOLTSHAUSER SYNDROME. Identifiers: Orphanet 475, MedGen C5979921, MONDO:0018772.

Allele frequency attached by ClinVar (database versions not stated): ExAC 0.00448; TOPMed 0.01561; 1000 Genomes Project 30x 0.01405; gnomAD exomes 0.00365 and 0.00131; 1000 Genomes Project 0.01358; gnomAD 0.01500 and 0.01390; ESP Exome Variant Server 0.01585.
gnomAD v4.1: 4,057 of 1,612,606 alleles (0.25%); highest among the groups gnomAD compares: African/African-American, 4.9%; 80 homozygotes.

Submissions (6):

Labcorp Genetics (formerly Invitae), Labcorp
Classification: Benign for Joubert syndrome. Last evaluated: 2026-02-01. Review status: criteria provided, single submitter. Criteria: Invitae Variant Classification Sherloc (09022015). Collection method: clinical testing. Allele origin: germline.

Illumina Laboratory Services, Illumina
Classification: Benign for Joubert syndrome 1. Last evaluated: 2018-01-13. Review status: criteria provided, single submitter. Criteria: ICSL Variant Classification Criteria 13 December 2019. Collection method: clinical testing. Allele origin: germline.
Comment: This variant was observed in the ICSL laboratory as part of a predisposition screen in an ostensibly healthy population. It had not been previously curated by ICSL or reported in the Human Gene Mutation Database (HGMD: prior to June 1st, 2018), and was therefore a candidate for classification through an automated scoring system. Utilizing variant allele frequency, disease prevalence and penetrance estimates, and inheritance mode, an automated score was calculated to assess if this variant is too frequent to cause the disease. Based on the score and internal cut-off values, a variant classified as benign is not then subjected to further curation. The score for this variant resulted in a classification of benign for this disease.

GeneDx
Classification: Benign. Last evaluated: 2016-03-14. Review status: criteria provided, single submitter. Criteria: GeneDx Variant Classification (06012015). Collection method: clinical testing. Allele origin: germline. Affected: yes.
Comment: This variant is considered likely benign or benign based on one or more of the following criteria: it is a conservative change, it occurs at a poorly conserved position in the protein, it is predicted to be benign by multiple in silico algorithms, and/or has population frequency not consistent with disease.

PreventionGenetics, part of Exact Sciences
Classification: Benign. Review status: criteria provided, single submitter. Criteria: ACMG Guidelines, 2015. Collection method: clinical testing. Allele origin: germline.

Diagnostic Laboratory, Department of Genetics, University Medical Center Groningen
Classification: Likely benign. Review status: no assertion criteria provided. Collection method: clinical testing. Allele origin: germline. Affected: yes. Study: VKGL Data-share Consensus. Not counted in ClinVar's aggregate classification.

Genome Diagnostics Laboratory, University Medical Center Utrecht
Classification: Benign. Review status: no assertion criteria provided. Collection method: clinical testing. Allele origin: germline. Affected: yes. Study: VKGL Data-share Consensus. Not counted in ClinVar's aggregate classification.